The following is an entry in ClinVar:

ClinVar aggregate classification (germline): Likely pathogenic (3 of 4 stars; one submission).

Conditions:
Monogenic diabetes. Identifiers: Orphanet 183625, MedGen C3888631, MONDO:0015967.

Submission:

ClinGen Monogenic Diabetes Variant Curation Expert Panel
Classification: Likely pathogenic for Monogenic diabetes. Last evaluated: 2025-08-05. Review status: reviewed by expert panel. Criteria: ClinGen Diabetes ACMG Specifications HNF1A V3.0.0. Collection method: curation. Allele origin: germline. Inheritance: Autosomal dominant inheritance.
Comment: The c.28A>C variant in the HNF1 homeobox A gene, HNF1A, causes an amino acid change of threonine to proline at codon 10 (p.(Thr10Pro)) of NM_000545.8. This variant is located within a conserved region of the dimerization domain (codons 1-32) of HNF1A, which is defined as critical for the protein’s function by the ClinGen MDEP (PM1_Supporting). Additionally, this variant is absent from gnomAD v4.1.0 (PM2_Supporting). Lastly, this variant was identified as a de novo occurrence with confirmed parental relationships in an individual with a clinical picture consistent with HNF1A-MODY (MODY probability calculator result >50% and negative genetic testing for HNF4A (PS2; PMID:28701371). This variant has a REVEL score of 0.656, which is between the ClinGen MDEP thresholds for BP4 and PP3, predicting neither a damaging nor benign impact on HNF1A function. This variant was identified in two unrelated individuals with non-autoimmune and non-absolute/near-absolute insulin-deficient diabetes; however, PS4_Moderate cannot be applied because this number is below the ClinGen MDEP threshold (PMID:28701371, internal lab contributors). In summary, this variant meets the criteria to be classified as likely pathogenic for monogenic diabetes. ACMG/AMP criteria applied, as specified by the ClinGen MDEP (specification version 3.0.0, approved 6/30/2025): PM1_Supporting, PM2_Supporting, PP4_Moderate, PS2.

Literature cited by the submitters: PubMed 28701371.

NM_000545.8(HNF1A):c.28A>C (p.Thr10Pro)

Gene: HNF1A (HNF1 homeobox A; plus strand). Cytogenetic location: 12q24.31.
Variant type: single nucleotide variant.
Coding change: c.28A>C on transcript NM_000545.8 (MANE Select); coding-DNA position 28, A replaced by C.
Protein change: p.Thr10Pro; replaces threonine 10 with proline.
Molecular consequence: missense variant.
Genome position (GRCh38, 1-based): chr12:120,978,796, A>C. VCF-style: chr12-120978796-A-C. GRCh37 (hg19) VCF-style: chr12-121416599-A-C.
Other names: NM_001306179.2:c.28A>C; c.28A>C, p.Thr10Pro (NM_001306179.2); short protein forms T10P.
Identifiers: ClinVar variation 1675061 (VCV001675061.4), dbSNP rs2135819400, ClinGen allele CA386952326.